The following is an entry in ClinVar:

ClinVar aggregate classification (germline): Likely pathogenic. Review status: criteria provided, single submitter (1 of 4 stars). 2 submissions from 2 submitters: Likely pathogenic (1). 1 of the submissions does not count toward it. Last evaluated 2021-02-18.

Conditions:
Pelizaeus-Merzbacher disease. Also called: Pelizeaus-Merzbacher spectrum disorder; LEUKODYSTROPHY, HYPOMYELINATING, 1; Sudanophilic leukodystrophy; Pelizaeus-Merzbacher spectrum disorder; Pelizaeus-Merzbacher Disease (PMD). Identifiers: Orphanet 702, MedGen C0205711, MONDO:0010714, OMIM 312080, HP:0003269.

Submissions (2):

Molecular Diagnostics Lab, Nemours Children's Health, Delaware
Classification: Likely pathogenic for Pelizaeus-Merzbacher disease. Last evaluated: 2021-02-18. Review status: criteria provided, single submitter. Criteria: ACMG Guidelines, 2015. Collection method: clinical testing. Allele origin: maternal, unknown. Inheritance: X-linked inheritance. Affected: yes and no. Observed: 2 heterozygotes, 1 hemizygote.
Comment: This missense variant (c.128C>T, p.Thr43Ile) has not been observed in population databases (gnomAD). It has been described in the literature (PMID 7573159, PMID 19562355, and PMID 23347225). Variant prediction programs suggest a deleterious effect on the PLP1 protein, but no functional studies have been published.

OMIM
Classification: Pathogenic for PELIZAEUS-MERZBACHER DISEASE. Last evaluated: 1995-07-31. Review status: no assertion criteria provided. Collection method: literature only. Allele origin: germline. Not counted in ClinVar's aggregate classification.

Literature cited by the submitters: PubMed 7573159 (cited by Molecular Diagnostics Lab, Nemours Children's Health, Delaware and OMIM); PubMed 19563255 (cited by Molecular Diagnostics Lab, Nemours Children's Health, Delaware); PubMed 23347225 (cited by Molecular Diagnostics Lab, Nemours Children's Health, Delaware).

NM_000533.5(PLP1):c.128C>T (p.Thr43Ile)

Genes: PLP1 (proteolipid protein 1; plus strand), RAB9B (RAB9B, member RAS oncogene family; minus strand). Cytogenetic location: Xq22.2.
Variant type: single nucleotide variant.
Coding change: c.128C>T on transcript NM_000533.5 (MANE Select); coding-DNA position 128, C replaced by T.
Protein change: p.Thr43Ile; replaces threonine 43 with isoleucine.
Molecular consequence: missense variant. On other transcripts: intron variant (1).
Genome position (GRCh38, 1-based): chrX:103,785,705, C>T. VCF-style: chrX-103785705-C-T. GRCh37 (hg19) VCF-style: chrX-103040634-C-T.
Other names: T42I; c.128C>T, p.Thr43Ile (NM_001128834.3, NM_199478.3); c.5-42C>T (NM_001305004.1); short protein forms T43I.
Identifiers: ClinVar variation 11086 (VCV000011086.3), dbSNP rs132630289, ClinGen allele CA255704.
Genomic context (GRCh38, chrX:103,785,705, plus strand): 5'-GATTGTGTTTCTTTGGGGTGGCACTGTTCTGTGGCTGTGGACATGAAGCCCTCACTGGCA[C>T]AGAAAAGCTAATTGAGACCTATTTCTCCAAAAACTACCAAGACTATGAGTATCTCATCAA-3'
Protein context (NP_000524.3, residues 33-53): CGCGHEALTG[Thr43Ile]EKLIETYFSK